The following is an entry in ClinVar:

ClinVar aggregate classification (germline): Uncertain significance. Review status: criteria provided, multiple submitters, no conflicts (2 of 4 stars). 2 submissions from 2 submitters: Uncertain significance (2). Last evaluated 2025-04-01.

Conditions:
Aortic aneurysm, familial thoracic 8 (AAT8). Identifiers: MedGen C3809513, MONDO:0014187, OMIM 615436.

Allele frequency attached by ClinVar (database versions not stated): gnomAD 0.00001.
gnomAD v4.1: 3 of 1,612,650 alleles (0.00019%); highest among the groups gnomAD compares: Non-Finnish European, 0.00025%; no homozygotes.

Submissions (2):

Labcorp Genetics (formerly Invitae), Labcorp
Classification: Uncertain significance for Aortic aneurysm, familial thoracic 8. Last evaluated: 2025-04-01. Review status: criteria provided, single submitter. Criteria: Invitae Variant Classification Sherloc (09022015). Collection method: clinical testing. Allele origin: germline.
Comment: This sequence change replaces threonine, which is neutral and polar, with alanine, which is neutral and non-polar, at codon 646 of the PRKG1 protein (p.Thr646Ala). This variant is not present in population databases (gnomAD no frequency). This variant has not been reported in the literature in individuals affected with PRKG1-related conditions. ClinVar contains an entry for this variant (Variation ID: 392771). An algorithm developed to predict the effect of missense changes on protein structure and function (PolyPhen-2) suggests that this variant is likely to be tolerated. In summary, the available evidence is currently insufficient to determine the role of this variant in disease. Therefore, it has been classified as a Variant of Uncertain Significance.

GeneDx
Classification: Uncertain significance. Last evaluated: 2017-01-16. Review status: criteria provided, single submitter. Criteria: GeneDx Variant Classification (06012015). Collection method: clinical testing. Allele origin: germline. Affected: yes.
Comment: A variant of uncertain significance has been identified in the PRKG1 gene. The T646A variant has not been published as a pathogenic variant or been reported as a benign variant to our knowledge. This variant has not been observed in large population cohorts (Lek et al., 2016; McVean et al., 2012; Exome Variant Server; Exome Aggregation Consortium). The T646A variant is a non-conservative amino acid substitution, which is likely to impact secondary protein structure as these residues differ in polarity, charge, size and/or other properties. Additionally, this substitution occurs at a position that is conserved across species. Furthermore, in silico analysis predicts this variant is probably damaging to the protein structure/function. Nevertheless, no missense variants in nearby residues have been reported in the Human Gene Mutation Database in association with TAAD (Stenson et al., 2014).

NM_006258.4(PRKG1):c.1936A>G (p.Thr646Ala)

Gene: PRKG1 (protein kinase cGMP-dependent 1; plus strand). Cytogenetic location: 10q21.1.
Variant type: single nucleotide variant.
Coding change: c.1936A>G on transcript NM_006258.4 (MANE Select); coding-DNA position 1936, A replaced by G.
Protein change: p.Thr646Ala; replaces threonine 646 with alanine.
Molecular consequence: missense variant.
Genome position (GRCh38, 1-based): chr10:52,290,264, A>G. VCF-style: chr10-52290264-A-G. GRCh37 (hg19) VCF-style: chr10-54050024-A-G.
Other names: c.1891A>G, p.Thr631Ala (LRG_1135t2, NM_001098512.3); c.1936A>G, p.Thr646Ala (LRG_1135t1); short protein forms T631A, T646A.
Identifiers: ClinVar variation 392771 (VCV000392771.3), dbSNP rs1057524623, ClinGen allele CA16605644.
Genomic context (GRCh38, chr10:52,290,264, plus strand): 5'-AACGTTTTTTCCTTTTCTAGATGGTTTGAGGGCTTTAACTGGGAAGGCTTAAGAAAAGGT[A>G]CCTTGACACCTCCTATAATACCAAGTGTAAGTAGACTTTCCAGCTTATAATTGTGTGACA-3'
Protein context (NP_006249.1, residues 636-656): GFNWEGLRKG[Thr646Ala]LTPPIIPSVA